The following is an entry in ClinVar:

ClinVar aggregate classification (germline): Likely benign. Review status: criteria provided, multiple submitters, no conflicts (2 of 4 stars). 2 submissions from 2 submitters: Likely benign (2). Last evaluated 2023-10-23.

Conditions:
Retinoblastoma (RB1). Also called: RETINOBLASTOMA, SOMATIC. Identifiers: Orphanet 790, MedGen C0035335, MeSH D012175, MONDO:0008380, OMIM 180200, HP:0009919. Disease mechanism: loss of function. Inheritance: Both sporadic and heritable forms are tested..

Submissions (2):

All of Us Research Program, National Institutes of Health
Classification: Likely benign for Retinoblastoma. Last evaluated: 2023-10-23. Review status: criteria provided, single submitter. Criteria: ACMG Guidelines, 2015. Collection method: clinical testing. Allele origin: germline. Inheritance: Autosomal dominant inheritance. Observed: 1 variant allele, 1 heterozygote.
Comment: This study involves interpretation of variants in research participants for the purpose of population health screening. Participant phenotype was not available at the time of variant classification. Additional details can be found in publication PMID: 35346344, PMCID: PMC8962531

Labcorp Genetics (formerly Invitae), Labcorp
Classification: Likely benign for Retinoblastoma. Last evaluated: 2020-03-09. Review status: criteria provided, single submitter. Criteria: Invitae Variant Classification Sherloc (09022015). Collection method: clinical testing. Allele origin: germline.

NM_000321.3(RB1):c.2490-10A>C

Gene: RB1 (RB transcriptional corepressor 1; plus strand). Cytogenetic location: 13q14.2.
Variant type: single nucleotide variant.
Coding change: c.2490-10A>C on transcript NM_000321.3 (MANE Select); 10 bases into the intron before coding-DNA position 2490, A replaced by C.
Molecular consequence: intron variant.
Genome position (GRCh38, 1-based): chr13:48,473,350, A>C. VCF-style: chr13-48473350-A-C. GRCh37 (hg19) VCF-style: chr13-49047486-A-C.
Identifiers: ClinVar variation 1113993 (VCV001113993.10), dbSNP rs2138354548, ClinGen allele CA2499222463.